The following is an entry in ClinVar:

NM_025114.4(CEP290):c.3808_3809del (p.Leu1270fs)

Gene: CEP290 (centrosomal protein 290; minus strand). Cytogenetic location: 12q21.32.
Variant type: Microsatellite.
Coding change: c.3808_3809del on transcript NM_025114.4 (MANE Select); coding-DNA positions 3808 to 3809, 2 bases deleted (CT; older notation c.3808_3809delCT).
Protein change: p.Leu1270fs; shifts the reading frame from leucine 1270.
Molecular consequence: frameshift variant.
Genome position (GRCh38, 1-based): chr12:88,089,252-88,089,253, AG deleted on the plus strand (CT on the coding strand, the reverse complement: CEP290 is on the minus strand); deleting any 2 consecutive bases within chr12:88,089,252-88,089,256 gives the same sequence; the c. name uses the placement nearest the transcript's 3' end. VCF-style (leftmost placement, unchanged base first): chr12-88089251-TAG-T. GRCh37 (hg19) VCF-style: chr12-88483028-TAG-T.
Other names: short protein forms L1270fs.
Identifiers: ClinVar variation 1076663 (VCV001076663.9), dbSNP rs1565846034, ClinGen allele CA606675534.

ClinVar aggregate classification (germline): Pathogenic (1 of 4 stars; one submission).

Conditions:
Joubert syndrome. Also called: Familial aplasia of the vermis; CEREBELLOPARENCHYMAL DISORDER IV; JOUBERT-BOLTSHAUSER SYNDROME. Identifiers: Orphanet 475, MedGen C5979921, MONDO:0018772.
Meckel-Gruber syndrome. Also called: Dysencephalia splachnocystica; DYSENCEPHALIA SPLANCHNOCYSTICA; GRUBER SYNDROME. Identifiers: Orphanet 564, MedGen C0265215, MONDO:0018921.
Nephronophthisis. Also called: Juvenile Nephronophthisis. Identifiers: Orphanet 655, MedGen C0687120, MONDO:0019005, HP:0000090.

Submission:

Labcorp Genetics (formerly Invitae), Labcorp
Classification: Pathogenic for Joubert syndrome; Meckel-Gruber syndrome; Nephronophthisis. Last evaluated: 2020-02-11. Review status: criteria provided, single submitter. Criteria: Invitae Variant Classification Sherloc (09022015). Collection method: clinical testing. Allele origin: germline.
Comment: This sequence change creates a premature translational stop signal (p.Leu1270Thrfs*5) in the CEP290 gene. It is expected to result in an absent or disrupted protein product. This variant is not present in population databases (ExAC no frequency). This variant has not been reported in the literature in individuals with CEP290-related conditions. Loss-of-function variants in CEP290 are known to be pathogenic (PMID: 16909394, 17345604, 20690115, 25377065, 28559085). For these reasons, this variant has been classified as Pathogenic.

Literature cited by the submitters: PubMed 16909394; PubMed 17345604; PubMed 20690115; PubMed 25377065; PubMed 28559085.